The following is an entry in ClinVar:

ClinVar aggregate classification (germline): Uncertain significance (1 of 4 stars; one submission).

Conditions:
Cardiovascular phenotype. Identifiers: MedGen CN230736.

Submission:

Ambry Genetics
Classification: Uncertain significance for Cardiovascular phenotype. Last evaluated: 2023-02-16. Review status: criteria provided, single submitter. Criteria: Ambry Variant Classification Scheme 2023. Collection method: clinical testing. Allele origin: germline.
Comment: The c.6912+4A>G intronic variant results from an A to G substitution 4 nucleotides after coding exon 47 in the DMD gene. This nucleotide position is highly conserved in available vertebrate species. In silico splice site analysis predicts that this alteration will not have any significant effect on splicing. Since supporting evidence is limited at this time, the clinical significance of this alteration remains unclear.

NM_004006.3(DMD):c.6912+4A>G

Gene: DMD (dystrophin; minus strand). Cytogenetic location: Xp21.1.
Variant type: single nucleotide variant.
Coding change: c.6912+4A>G on transcript NM_004006.3 (MANE Select); 4 bases into the intron after coding-DNA position 6912, A replaced by G.
Molecular consequence: intron variant.
Genome position (GRCh38, 1-based): chrX:31,929,592, T>C on the plus strand (A>G on the coding strand, the complement: DMD is on the minus strand). VCF-style: chrX-31929592-T-C. GRCh37 (hg19) VCF-style: chrX-31947709-T-C.
Other names: c.6888+4A>G (NM_000109.4); c.2889+4A>G (NM_004011.4); c.2880+4A>G (NM_004012.4); c.-469+4A>G (NM_004023.3, NM_004020.4, NM_004022.3 and 2 more transcripts); c.6900+4A>G (NM_004009.3); c.6543+4A>G (NM_004010.3).
Identifiers: ClinVar variation 2450349 (VCV002450349.2), dbSNP rs2533415109, ClinGen allele CA2580100590.
Genomic context (GRCh38, chrX:31,929,592, plus strand): 5'-CAAAATACATACAAATACTTGCAACATTTAACACATGTGACGGAAGAGATGGTTAATGTC[T>C]AACCTTTATCCACTGGAGATTTGTCTGCTTGAGCTTATTTTCAAGTTTATCTTGCTCTTC-3'